The following is an entry in ClinVar:

NM_000059.4(BRCA2):c.4573C>T (p.His1525Tyr)

Gene: BRCA2 (BRCA2 DNA repair associated; plus strand). Cytogenetic location: 13q13.1.
Variant type: single nucleotide variant.
Coding change: c.4573C>T on transcript NM_000059.4 (MANE Select); coding-DNA position 4573, C replaced by T.
Protein change: p.His1525Tyr; replaces histidine 1525 with tyrosine.
Molecular consequence: missense variant.
Genome position (GRCh38, 1-based): chr13:32,338,928, C>T. VCF-style: chr13-32338928-C-T. GRCh37 (hg19) VCF-style: chr13-32913065-C-T.
Other names: c.4573C>T, p.His1525Tyr (NM_001406719.1, NM_001406720.1); short protein forms H1525Y.
Identifiers: ClinVar variation 2112770 (VCV002112770.6), dbSNP rs2137507836, ClinGen allele CA387781874.
Genomic context (GRCh38, chr13:32,338,928, plus strand): 5'-ACCTTCCAGGGACAACCCGAACGTGATGAAAAGATCAAAGAACCTACTCTATTGGGTTTT[C>T]ATACAGCTAGCGGGAAAAAAGTTAAAATTGCAAAGGAATCTTTGGACAAAGTGAAAAACC-3'
Protein context (NP_000050.3, residues 1515-1535): KIKEPTLLGF[His1525Tyr]TASGKKVKIA

ClinVar aggregate classification (germline): Conflicting classifications of pathogenicity. Review status: criteria provided, conflicting classifications (1 of 4 stars). 2 submissions from 2 submitters: Uncertain significance (1); Likely benign (1). Last evaluated 2023-03-23.

Conditions:
Hereditary breast ovarian cancer syndrome. Also called: Hereditary breast and ovarian cancer syndrome; Hereditary breast and ovarian cancer; Hereditary breast and ovarian cancer syndrome (HBOC); Hereditary breast and/or ovarian cancer syndrome; Breast and ovarian cancer; BRCA1- and BRCA2-Associated Hereditary Breast and Ovarian Cancer. Identifiers: Orphanet 145, MedGen C0677776, MeSH D061325, MONDO:0003582. Disease mechanism: loss of function.
Hereditary cancer-predisposing syndrome. Also called: Neoplastic Syndromes, Hereditary; Tumor predisposition; Hereditary Cancer Syndrome; Hereditary neoplastic syndrome. Identifiers: Orphanet 140162, MedGen C0027672, MeSH D009386, MONDO:0015356.

Submissions (2):

University of Washington Department of Laboratory Medicine, University of Washington
Classification: Likely benign for Hereditary cancer-predisposing syndrome. Last evaluated: 2023-03-23. Review status: criteria provided, single submitter. Criteria: Dines et al. (Genet Med. 2020). Collection method: curation. Allele origin: germline.
Comment: Missense variant in a coldspot region where missense variants are very unlikely to be pathogenic (PMID:31911673).

BRCA2 exon 11 coldspot. Reclassification based on statistical prior probability.

Labcorp Genetics (formerly Invitae), Labcorp
Classification: Uncertain significance for Hereditary breast ovarian cancer syndrome. Last evaluated: 2022-03-17. Review status: criteria provided, single submitter. Criteria: Invitae Variant Classification Sherloc (09022015). Collection method: clinical testing. Allele origin: germline.
Comment: In summary, the available evidence is currently insufficient to determine the role of this variant in disease. Therefore, it has been classified as a Variant of Uncertain Significance. Experimental studies are conflicting or provide insufficient evidence to determine the effect of this variant on BRCA2 function (PMID: 20684611). Advanced modeling of protein sequence and biophysical properties (such as structural, functional, and spatial information, amino acid conservation, physicochemical variation, residue mobility, and thermodynamic stability) performed at Invitae indicates that this missense variant is not expected to disrupt BRCA2 protein function. This variant has not been reported in the literature in individuals affected with BRCA2-related conditions. This variant is not present in population databases (gnomAD no frequency). This sequence change replaces histidine, which is basic and polar, with tyrosine, which is neutral and polar, at codon 1525 of the BRCA2 protein (p.His1525Tyr).

Literature cited by the submitters: PubMed 20684611 (cited by Labcorp Genetics (formerly Invitae), Labcorp).